The following is an entry in ClinVar:

ClinVar aggregate classification (germline): Uncertain significance. Review status: criteria provided, multiple submitters, no conflicts (2 of 4 stars). 2 submissions from 2 submitters: Uncertain significance (2). Last evaluated 2024-07-22.

Conditions:
Hereditary cancer-predisposing syndrome. Also called: Tumor predisposition; Hereditary neoplastic syndrome; Neoplastic Syndromes, Hereditary; Hereditary Cancer Syndrome. Identifiers: Orphanet 140162, MedGen C0027672, MeSH D009386, MONDO:0015356.
Mitochondrial complex II deficiency, nuclear type 1. Also called: SUCCINATE CoQ REDUCTASE DEFICIENCY. Identifiers: Orphanet 3208, MedGen C5700310, MONDO:0100294, OMIM 252011.
Pheochromocytoma/paraganglioma syndrome 5. Also called: Paragangliomas 5; SDHA-Related Hereditary Paraganglioma-Pheochromocytoma Syndrome. Identifiers: Orphanet 29072, MedGen C3279992, MONDO:0013602, OMIM 614165.

Submissions (2):

Ambry Genetics
Classification: Uncertain significance for Hereditary cancer-predisposing syndrome. Last evaluated: 2024-07-22. Review status: criteria provided, single submitter. Criteria: Ambry Variant Classification Scheme 2023. Collection method: clinical testing. Allele origin: germline.
Comment: The c.64-7T>G intronic variant results from a T to G substitution 7 nucleotides upstream from coding exon 2 in the SDHA gene. This nucleotide position is well conserved in available vertebrate species. In silico splice site analysis predicts that this alteration may result in the creation or strengthening of a novel splice acceptor site; however, direct evidence is insufficient at this time (Ambry internal data). Based on the available evidence, the clinical significance of this variant remains unclear.

Labcorp Genetics (formerly Invitae), Labcorp
Classification: Uncertain significance for Pheochromocytoma/paraganglioma syndrome 5; Mitochondrial complex II deficiency, nuclear type 1. Last evaluated: 2023-03-16. Review status: criteria provided, single submitter. Criteria: Invitae Variant Classification Sherloc (09022015). Collection method: clinical testing. Allele origin: germline.
Comment: In summary, the available evidence is currently insufficient to determine the role of this variant in disease. Therefore, it has been classified as a Variant of Uncertain Significance. Algorithms developed to predict the effect of sequence changes on RNA splicing suggest that this variant may create or strengthen a splice site. ClinVar contains an entry for this variant (Variation ID: 1002251). This variant has not been reported in the literature in individuals affected with SDHA-related conditions. This variant is not present in population databases (gnomAD no frequency). This sequence change falls in intron 1 of the SDHA gene. It does not directly change the encoded amino acid sequence of the SDHA protein.

NM_004168.4(SDHA):c.64-7T>G

Gene: SDHA (succinate dehydrogenase complex flavoprotein subunit A; plus strand). Cytogenetic location: 5p15.33.
Variant type: single nucleotide variant.
Coding change: c.64-7T>G on transcript NM_004168.4 (MANE Select); 7 bases into the intron before coding-DNA position 64, T replaced by G.
Molecular consequence: intron variant.
Genome position (GRCh38, 1-based): chr5:223,475, T>G. VCF-style: chr5-223475-T-G. GRCh37 (hg19) VCF-style: chr5-223590-T-G.
Other names: c.64-7T>G (NM_001330758.2, NM_001294332.2, NM_004168.2).
Identifiers: ClinVar variation 1002251 (VCV001002251.10), dbSNP rs1579379588, ClinGen allele CA1521980744.